The following is an entry in ClinVar:

NM_020738.4(KIDINS220):c.5226C>T (p.Tyr1742=)

Gene: KIDINS220 (kinase D interacting substrate 220; minus strand). Cytogenetic location: 2p25.1.
Variant type: single nucleotide variant.
Coding change: c.5226C>T on transcript NM_020738.4 (MANE Select); coding-DNA position 5226, C replaced by T.
Protein change: p.Tyr1742=; no amino-acid change (tyrosine 1742 retained).
Molecular consequence: synonymous variant. On other transcripts: intron variant (6).
Genome position (GRCh38, 1-based): chr2:8,730,810, G>A on the plus strand (C>T on the coding strand, the complement: KIDINS220 is on the minus strand). VCF-style: chr2-8730810-G-A. GRCh37 (hg19) VCF-style: chr2-8870940-G-A.
Other names: c.5229C>T, p.Tyr1743= (NM_001348729.2); c.5172C>T, p.Tyr1724= (NM_001348731.2); c.5169C>T, p.Tyr1723= (NM_001348732.2); c.5058C>T, p.Tyr1686= (NM_001348734.2); c.5055C>T, p.Tyr1685= (NM_001348735.2); c.4929C>T, p.Tyr1643= (NM_001348736.2); c.3882+2634C>T (NM_001348741.2, NM_001348742.2, NM_001348743.2); c.3996+2634C>T (NM_001348738.2); and 1 more.
Identifiers: ClinVar variation 5041786 (VCV005041786.1).

ClinVar aggregate classification (germline): Likely benign (1 of 4 stars; one submission).

gnomAD v4.1: 2 of 1,614,126 alleles (0.00012%); highest among the groups gnomAD compares: Admixed American, 0.0033%; no homozygotes.

Submission:

CeGaT Center for Human Genetics Tuebingen
Classification: Likely benign. Last evaluated: 2026-09-01. Review status: criteria provided, single submitter. Criteria: CeGaT Center For Human Genetics Tuebingen Variant Classification Criteria Version 2. Collection method: clinical testing. Allele origin: germline. Affected: yes. Observed: 1 variant allele.
Comment: KIDINS220: BP4, BP7